The following is an entry in ClinVar:

NM_007294.4(BRCA1):c.2039_2040insCC (p.Lys680fs)

Gene: BRCA1 (BRCA1 DNA repair associated; minus strand). Cytogenetic location: 17q21.31.
Variant type: Insertion.
Coding change: c.2039_2040insCC on transcript NM_007294.4 (MANE Select); coding-DNA positions 2039 to 2040, CC inserted.
Protein change: p.Lys680fs; shifts the reading frame from lysine 680.
Molecular consequence: frameshift variant. On other transcripts: intron variant (137).
Genome position: GRCh38 VCF-style: chr17-43093491-C-CGG. GRCh37 (hg19) VCF-style: chr17-41245508-C-CGG.
Other names: c.1916_1917insCC, p.Lys639fs (NM_001407676.1, NM_001407677.1, NM_001407678.1 and 19 more transcripts); c.2039_2040insCC, p.Lys680fs (NM_001407684.1, NM_001407854.1, NM_001407858.1 and 30 more transcripts); c.1913_1914insCC, p.Lys638fs (NM_001407685.1, NM_001407686.1, NM_001407687.1 and 11 more transcripts); c.1898_1899insCC, p.Lys633fs (NM_001407692.1, NM_001407694.1, NM_001407695.1 and 29 more transcripts); c.1895_1896insCC, p.Lys632fs (NM_001407740.1, NM_001407741.1, NM_001407742.1 and 20 more transcripts); c.1826_1827insCC, p.Lys609fs (NM_001407853.1, NM_001407894.1, NM_001407895.1 and 9 more transcripts); c.2036_2037insCC, p.Lys679fs (NM_001407860.1, NM_001407861.1, NM_001407587.1 and 22 more transcripts); c.1838_1839insCC, p.Lys613fs (NM_001407862.1); and 40 more; short protein forms K633fs, K680fs, K512fs, K552fs, K553fs, K613fs, K639fs, K654fs.
Identifiers: ClinVar variation 548168 (VCV000548168.2), dbSNP rs1555590620, ClinGen allele CA658824023.

ClinVar aggregate classification (germline): Pathogenic (3 of 4 stars; one submission).

Conditions:
Breast-ovarian cancer, familial, susceptibility to, 1 (BROVCA1). Also called: BRCA1 Hereditary Breast and Ovarian Cancer; OVARIAN CANCER, SUSCEPTIBILITY TO. Identifiers: Orphanet 145, MedGen C2676676, MONDO:0011450, OMIM 604370. Disease mechanism: loss of function.

Submission:

Evidence-based Network for the Interpretation of Germline Mutant Alleles (ENIGMA)
Classification: Pathogenic for Breast-ovarian cancer, familial, susceptibility to, 1. Last evaluated: 2017-12-15. Review status: reviewed by expert panel. Criteria: ENIGMA BRCA1/2 Classification Criteria (2017-06-29). Collection method: curation. Allele origin: germline. Study: ENIGMA.
Comment: Variant allele predicted to encode a truncated non-functional protein.